The following is an entry in ClinVar:

NM_001110556.2(FLNA):c.6603C>G (p.Arg2201=)

Gene: FLNA (filamin A; minus strand). Cytogenetic location: Xq28.
Variant type: single nucleotide variant.
Coding change: c.6603C>G on transcript NM_001110556.2 (MANE Select); coding-DNA position 6603, C replaced by G.
Protein change: p.Arg2201=; no amino-acid change (arginine 2201 retained).
Molecular consequence: synonymous variant.
Genome position (GRCh38, 1-based): chrX:154,352,347, G>C on the plus strand (C>G on the coding strand, the complement: FLNA is on the minus strand). VCF-style: chrX-154352347-G-C. GRCh37 (hg19) VCF-style: chrX-153580715-G-C.
Other names: c.6579C>G, p.Arg2193= (NM_001456.4).
Identifiers: ClinVar variation 2132510 (VCV002132510.4), dbSNP rs2522720717, ClinGen allele CA519706221.
Genomic context (GRCh38, chrX:154,352,347, plus strand): 5'-CACGTGCTGGCCCTTGTACTTCACGCTGACTGTGTGTGTGCCCATCTCAGCGGGAACAAA[G>C]CGGATGCAGTAGGTGTGGTTCTCCCCTTCCACGATCTCGGCCTCATGGGTCTTGCCCGAT-3'
Protein context (NP_001104026.1, residues 2191-2211): VEGENHTYCI[Arg2201=]FVPAEMGTHT

ClinVar aggregate classification (germline): Uncertain significance (1 of 4 stars; one submission).

Conditions:
Oto-palato-digital syndrome, type II (OPD2). Also called: Otopalatodigital Syndrome Type 2 (FLNA-OPD2); Otopalatodigital Syndrome, Type II; FACIOPALATOOSSEOUS SYNDROME; OPD II SYNDROME. Identifiers: Orphanet 669, Orphanet 90652, MedGen C1844696, MONDO:0010571, OMIM 304120.
Frontometaphyseal dysplasia (FMD1). Identifiers: Orphanet 1826, MedGen C0265293, MONDO:0015942.
Melnick-Needles syndrome (MNS). Also called: Melnick-Needles Syndrome (FLNA-MNS); MELNICK-NEEDLES OSTEODYSPLASTY; OSTEODYSPLASTY OF MELNICK AND NEEDLES. Identifiers: Orphanet 2484, MedGen C0025237, MONDO:0010650, OMIM 309350.
Heterotopia, periventricular, X-linked dominant (PVNH1). Also called: PERIVENTRICULAR NODULAR HETEROTOPIA 4; HETEROTOPIA, PERIVENTRICULAR, 1; X-linked periventricular heterotopia; PERIVENTRICULAR NODULAR HETEROTOPIA 1. Identifiers: Orphanet 2149, Orphanet 82004, MedGen C1848213, MONDO:0010233, OMIM 300049.

Submission:

Labcorp Genetics (formerly Invitae), Labcorp
Classification: Uncertain significance for Oto-palato-digital syndrome, type II; Heterotopia, periventricular, X-linked dominant; Frontometaphyseal dysplasia; Melnick-Needles syndrome. Last evaluated: 2022-05-01. Review status: criteria provided, single submitter. Criteria: Invitae Variant Classification Sherloc (09022015). Collection method: clinical testing. Allele origin: germline.
Comment: Algorithms developed to predict the effect of sequence changes on RNA splicing suggest that this variant may create or strengthen a splice site. In summary, the available evidence is currently insufficient to determine the role of this variant in disease. Therefore, it has been classified as a Variant of Uncertain Significance. This variant has not been reported in the literature in individuals affected with FLNA-related conditions. This variant is not present in population databases (gnomAD no frequency). This sequence change affects codon 2193 of the FLNA mRNA. It is a 'silent' change, meaning that it does not change the encoded amino acid sequence of the FLNA protein.